The following is an entry in ClinVar:

ClinVar aggregate classification (germline): Uncertain significance (1 of 4 stars; one submission).

Conditions:
Hereditary cancer-predisposing syndrome. Also called: Neoplastic Syndromes, Hereditary; Tumor predisposition; Hereditary Cancer Syndrome; Hereditary neoplastic syndrome. Identifiers: Orphanet 140162, MedGen C0027672, MeSH D009386, MONDO:0015356.

Submission:

Ambry Genetics
Classification: Uncertain significance for Hereditary cancer-predisposing syndrome. Last evaluated: 2022-08-16. Review status: criteria provided, single submitter. Criteria: Ambry Variant Classification Scheme 2023. Collection method: clinical testing. Allele origin: germline.
Comment: The p.D380E variant (also known as c.1140C>A), located in coding exon 6 of the RET gene, results from a C to A substitution at nucleotide position 1140. The aspartic acid at codon 380 is replaced by glutamic acid, an amino acid with highly similar properties. This amino acid position is conserved. In addition, this alteration is predicted to be tolerated by in silico analysis. Since supporting evidence is limited at this time, the clinical significance of this alteration remains unclear.

NM_020975.6(RET):c.1140C>A (p.Asp380Glu)

Gene: RET (ret proto-oncogene; plus strand). Cytogenetic location: 10q11.21.
Variant type: single nucleotide variant.
Coding change: c.1140C>A on transcript NM_020975.6 (MANE Select); coding-DNA position 1140, C replaced by A.
Protein change: p.Asp380Glu; replaces aspartic acid 380 with glutamic acid.
Molecular consequence: missense variant.
Genome position (GRCh38, 1-based): chr10:43,109,107, C>A. VCF-style: chr10-43109107-C-A. GRCh37 (hg19) VCF-style: chr10-43604555-C-A.
Other names: c.1140C>A, p.Asp380Glu (NM_000323.2, NM_001406743.1, NM_001406744.1 and 6 more transcripts); c.378C>A, p.Asp126Glu (NM_001355216.2); c.1011C>A, p.Asp337Glu (NM_001406761.1, NM_001406762.1, NM_001406764.1 and 1 more transcripts); c.852C>A, p.Asp284Glu (NM_001406766.1, NM_001406767.1, NM_001406770.1); c.702C>A, p.Asp234Glu (NM_001406771.1, NM_001406773.1); c.414C>A, p.Asp138Glu (NM_001406775.1, NM_001406776.1, NM_001406777.1 and 1 more transcripts); c.150C>A, p.Asp50Glu (NM_001406784.1); short protein forms D126E, D138E, D234E, D284E, D337E, D380E, D50E.
Identifiers: ClinVar variation 1731082 (VCV001731082.2), dbSNP rs2538424392, ClinGen allele CA376547444.